The following is an entry in ClinVar:

ClinVar aggregate classification (germline): Uncertain significance (1 of 4 stars; one submission).

Conditions:
Hereditary cancer-predisposing syndrome. Also called: Tumor predisposition; Hereditary Cancer Syndrome; Neoplastic Syndromes, Hereditary; Hereditary neoplastic syndrome. Identifiers: Orphanet 140162, MedGen C0027672, MeSH D009386, MONDO:0015356.

Submission:

Ambry Genetics
Classification: Uncertain significance for Hereditary cancer-predisposing syndrome. Last evaluated: 2021-11-24. Review status: criteria provided, single submitter. Criteria: Ambry Variant Classification Scheme 2023. Collection method: clinical testing. Allele origin: germline.
Comment: The p.I856M variant (also known as c.2568T>G), located in coding exon 4 of the MSH6 gene, results from a T to G substitution at nucleotide position 2568. The isoleucine at codon 856 is replaced by methionine, an amino acid with highly similar properties. This amino acid position is not well conserved in available vertebrate species. In addition, this alteration is predicted to be tolerated by in silico analysis. Since supporting evidence is limited at this time, the clinical significance of this alteration remains unclear.

NM_000179.3(MSH6):c.2568T>G (p.Ile856Met)

Gene: MSH6 (mutS homolog 6; plus strand). Cytogenetic location: 2p16.3.
Variant type: single nucleotide variant.
Coding change: c.2568T>G on transcript NM_000179.3 (MANE Select); coding-DNA position 2568, T replaced by G.
Protein change: p.Ile856Met; replaces isoleucine 856 with methionine.
Molecular consequence: missense variant.
Genome position (GRCh38, 1-based): chr2:47,800,551, T>G. VCF-style: chr2-47800551-T-G. GRCh37 (hg19) VCF-style: chr2-48027690-T-G.
Other names: c.2178T>G, p.Ile726Met (NM_001281492.2); c.1662T>G, p.Ile554Met (NM_001281493.2, NM_001281494.2, NM_001406811.1 and 6 more transcripts); c.2664T>G, p.Ile888Met (NM_001406795.1, NM_001406802.1); c.2568T>G, p.Ile856Met (NM_001406796.1, NM_001406798.1, NM_001406800.1 and 2 more transcripts); c.2271T>G, p.Ile757Met (NM_001406797.1, NM_001406801.1, NM_001406805.1 and 10 more transcripts); c.2043T>G, p.Ile681Met (NM_001406799.1, NM_001406806.1, NM_001406807.1); c.2490T>G, p.Ile830Met (NM_001406804.1); c.2574T>G, p.Ile858Met (NM_001406813.1); and 1 more; short protein forms I830M, I888M, I757M, I800M, I856M, I554M, I681M, I726M.
Identifiers: ClinVar variation 1793187 (VCV001793187.2), dbSNP rs1272110648, ClinGen allele CA346754711.